The following is an entry in ClinVar:

ClinVar aggregate classification (germline): Uncertain significance. Review status: criteria provided, multiple submitters, no conflicts (2 of 4 stars). 3 submissions from 3 submitters: Uncertain significance (3). Last evaluated 2025-09-30.

Conditions:
Hereditary cancer-predisposing syndrome. Also called: Neoplastic Syndromes, Hereditary; Hereditary Cancer Syndrome; Tumor predisposition; Hereditary neoplastic syndrome. Identifiers: Orphanet 140162, MedGen C0027672, MeSH D009386, MONDO:0015356.
Ataxia-telangiectasia syndrome (AT). Also called: LOUIS-BAR SYNDROME; Cerebello-oculocutaneous telangiectasia; Immunodeficiency with ataxia telangiectasia; Ataxia-telangiectasia, complementation group D; AT, COMPLEMENTATION GROUP C; Ataxia-telangiectasia, complementation group E. Identifiers: Orphanet 100, MedGen C0004135, MONDO:0008840, OMIM 208900.

Allele frequency attached by ClinVar (database versions not stated): gnomAD exomes below 0.00001.
gnomAD v4.1: 1 of 1,613,788 alleles (0.000062%); highest among the groups gnomAD compares: South Asian, 0.0011%; no homozygotes.

Submissions (3):

Labcorp Genetics (formerly Invitae), Labcorp
Classification: Uncertain significance for Ataxia-telangiectasia syndrome. Last evaluated: 2025-09-30. Review status: criteria provided, single submitter. Criteria: Invitae Variant Classification Sherloc (09022015). Collection method: clinical testing. Allele origin: germline.
Comment: This sequence change replaces valine, which is neutral and non-polar, with aspartic acid, which is acidic and polar, at codon 2229 of the ATM protein (p.Val2229Asp). This variant is not present in population databases (gnomAD no frequency). This variant has not been reported in the literature in individuals affected with ATM-related conditions. ClinVar contains an entry for this variant (Variation ID: 489578). Invitae Evidence Modeling of protein sequence and biophysical properties (such as structural, functional, and spatial information, amino acid conservation, physicochemical variation, residue mobility, and thermodynamic stability) has been performed for this missense variant. However, the output from this modeling did not meet the statistical confidence thresholds required to predict the impact of this variant on ATM protein function. In summary, the available evidence is currently insufficient to determine the role of this variant in disease. Therefore, it has been classified as a Variant of Uncertain Significance.

Ambry Genetics
Classification: Uncertain significance for Hereditary cancer-predisposing syndrome. Last evaluated: 2025-06-13. Review status: criteria provided, single submitter. Criteria: Ambry Variant Classification Scheme 2023. Collection method: clinical testing. Allele origin: germline.
Comment: The p.V2229D variant (also known as c.6686T>A), located in coding exon 45 of the ATM gene, results from a T to A substitution at nucleotide position 6686. The valine at codon 2229 is replaced by aspartic acid, an amino acid with highly dissimilar properties. This amino acid position is highly conserved in available vertebrate species. In addition, this alteration is predicted to be deleterious by in silico analysis. Based on the available evidence, the clinical significance of this variant remains unclear.

Color Diagnostics, LLC DBA Color Health
Classification: Uncertain significance for Hereditary cancer-predisposing syndrome. Last evaluated: 2018-12-10. Review status: criteria provided, single submitter. Criteria: ACMG Guidelines, 2015. Collection method: clinical testing. Allele origin: germline.

NM_000051.4(ATM):c.6686T>A (p.Val2229Asp)

Genes: ATM (ATM serine/threonine kinase; plus strand), C11orf65 (chromosome 11 open reading frame 65; minus strand). Cytogenetic location: 11q22.3.
Variant type: single nucleotide variant.
Coding change: c.6686T>A on transcript NM_000051.4 (MANE Select); coding-DNA position 6686, T replaced by A.
Protein change: p.Val2229Asp; replaces valine 2229 with aspartic acid.
Molecular consequence: missense variant. On other transcripts: intron variant (2).
Genome position (GRCh38, 1-based): chr11:108,325,423, T>A. VCF-style: chr11-108325423-T-A. GRCh37 (hg19) VCF-style: chr11-108196150-T-A.
Other names: c.6686T>A, p.Val2229Asp (NM_001351834.2); c.641-16352A>T (NM_001330368.2); c.*38+9797A>T (NM_001351110.2); short protein forms V2229D.
Identifiers: ClinVar variation 489578 (VCV000489578.16), dbSNP rs1555119144, ClinGen allele CA382554895.